The following is an entry in ClinVar:

NM_006796.3(AFG3L2):c.417C>T (p.Asp139=)

Gene: AFG3L2 (AFG3 like matrix AAA peptidase subunit 2; minus strand). Cytogenetic location: 18p11.21.
Variant type: single nucleotide variant.
Coding change: c.417C>T on transcript NM_006796.3 (MANE Select); coding-DNA position 417, C replaced by T.
Protein change: p.Asp139=; no amino-acid change (aspartic acid 139 retained).
Molecular consequence: synonymous variant.
Genome position (GRCh38, 1-based): chr18:12,367,100, G>A on the plus strand (C>T on the coding strand, the complement: AFG3L2 is on the minus strand). VCF-style: chr18-12367100-G-A. GRCh37 (hg19) VCF-style: chr18-12367099-G-A.
Identifiers: ClinVar variation 2186546 (VCV002186546.22), dbSNP rs777978024, ClinGen allele CA8896737.

ClinVar aggregate classification (germline): Likely benign. Review status: criteria provided, multiple submitters, no conflicts (2 of 4 stars). 2 submissions from 2 submitters: Likely benign (2). Last evaluated 2024-08-30.

Allele frequency attached by ClinVar (database versions not stated): ExAC 0.00002; gnomAD 0.00002; TOPMed 0.00002.
gnomAD v4.1: 22 of 1,614,052 alleles (0.0014%); highest among the groups gnomAD compares: South Asian, 0.0066%; no homozygotes.

Submissions (2):

Labcorp Genetics (formerly Invitae), Labcorp
Classification: Likely benign. Last evaluated: 2024-08-30. Review status: criteria provided, single submitter. Criteria: Invitae Variant Classification Sherloc (09022015). Collection method: clinical testing. Allele origin: germline.

CeGaT Center for Human Genetics Tuebingen
Classification: Likely benign. Last evaluated: 2024-06-01. Review status: criteria provided, single submitter. Criteria: CeGaT Center For Human Genetics Tuebingen Variant Classification Criteria Version 2. Collection method: clinical testing. Allele origin: germline. Affected: yes. Observed: 1 variant allele.
Comment: AFG3L2: BP4, BP7